The following is an entry in ClinVar:

ClinVar aggregate classification (germline): Likely benign (1 of 4 stars; one submission).

Conditions:
Papillary renal cell carcinoma type 1 (RCCP1). Also called: Renal adenocarcinoma; Renal cell carcinoma 1; Renal cell carcinoma, somatic; RENAL CELL CARCINOMA, PAPILLARY, 1, SOMATIC. Identifiers: Orphanet 47044, MedGen C1336839, OMIM 605074, HP:0011797.

Submission:

Myriad Genetics, Inc.
Classification: Likely benign for Papillary renal cell carcinoma type 1. Last evaluated: 2024-11-08. Review status: criteria provided, single submitter. Criteria: Myriad Autosomal Dominant, Autosomal Recessive and X-Linked Classification Criteria (2023). Collection method: clinical testing. Allele origin: unknown.
Comment: This variant is considered likely benign. This variant is intronic and is not expected to impact mRNA splicing.

NM_000245.4(MET):c.1863-13G>A

Gene: MET (MET proto-oncogene, receptor tyrosine kinase; plus strand). Cytogenetic location: 7q31.2.
Variant type: single nucleotide variant.
Coding change: c.1863-13G>A on transcript NM_000245.4 (MANE Select); 13 bases into the intron before coding-DNA position 1863, G replaced by A.
Molecular consequence: intron variant.
Genome position (GRCh38, 1-based): chr7:116,757,424, G>A. VCF-style: chr7-116757424-G-A. GRCh37 (hg19) VCF-style: chr7-116397478-G-A.
Other names: c.1863-13G>A (NM_001127500.3, NM_001324401.3); c.573-13G>A (NM_001324402.2).
Identifiers: ClinVar variation 3773201 (VCV003773201.1).